The following is an entry in ClinVar:

ClinVar aggregate classification (germline): Uncertain significance. Review status: criteria provided, single submitter (1 of 4 stars). 2 submissions from 2 submitters: Uncertain significance (1). 1 of the submissions does not count toward it. Last evaluated 2025-10-20.

Conditions:
Flexion contracture. Also called: Contracture; Flexion deformity; Contractures. Identifiers: MedGen C0333068, HP:0001371.

Allele frequency attached by ClinVar (database versions not stated): TOPMed 0.00005; ESP Exome Variant Server 0.00008.
gnomAD v4.1: 106 of 1,588,924 alleles (0.0067%); highest among the groups gnomAD compares: Middle Eastern, 0.05%; no homozygotes.

Submissions (2):

Clinical Genomics Laboratory, Washington University in St. Louis
Classification: Uncertain significance. Last evaluated: 2025-10-20. Review status: criteria provided, single submitter. Criteria: ACMG Guidelines, 2015. Collection method: clinical testing. Allele origin: germline.
Comment: The MYBPC2 c.764G>C (p.Ser255Thr) variant has been reported in one individual affected with arthrogryposis; however, this individual was also a carrier of another variant in MYBPC2 and a homozygous nonsense variant in GRP126, making the relevance of this finding uncertain (Bayram Y et al., PMID: 26752647). This variant has been reported in the ClinVar database as a germline variant of uncertain significance by one submitter. The highest population minor allele frequency in the population database genome aggregation database (v.4.1.0) is 0.0495% in the Middle Eastern population. Computational predictors suggest that the variant does not impact MYBPC2 function. Due to limited information, the clinical significance of this variant is uncertain.

Lupski Lab, Baylor-Hopkins CMG, Baylor College of Medicine
Classification: Uncertain significance for Flexion contracture. Review status: no assertion criteria provided. Collection method: research. Allele origin: inherited. Inheritance: Autosomal recessive inheritance. Affected: yes. Observed: 2 variant alleles, 1 heterozygote, 1 compound heterozygote. Not counted in ClinVar's aggregate classification.

Literature cited by the submitters: PubMed 26752647 (cited by Lupski Lab, Baylor-Hopkins CMG, Baylor College of Medicine).

NM_004533.4(MYBPC2):c.764G>C (p.Ser255Thr)

Gene: MYBPC2 (myosin binding protein C2; plus strand). Cytogenetic location: 19q13.33.
Variant type: single nucleotide variant.
Coding change: c.764G>C on transcript NM_004533.4 (MANE Select); coding-DNA position 764, G replaced by C.
Protein change: p.Ser255Thr; replaces serine 255 with threonine.
Molecular consequence: missense variant.
Genome position (GRCh38, 1-based): chr19:50,441,071, G>C. VCF-style: chr19-50441071-G-C. GRCh37 (hg19) VCF-style: chr19-50944328-G-C.
Other names: short protein forms S255T.
Identifiers: ClinVar variation 816859 (VCV000816859.2), dbSNP rs377503167, ClinGen allele CA9597453.